The following is an entry in ClinVar:

NM_001371928.1(AHDC1):c.1003G>C (p.Asp335His)

Gene: AHDC1 (AT-hook DNA binding motif containing 1; minus strand). Cytogenetic location: 1p36.11.
Variant type: single nucleotide variant.
Coding change: c.1003G>C on transcript NM_001371928.1 (MANE Select); coding-DNA position 1003, G replaced by C.
Protein change: p.Asp335His; replaces aspartic acid 335 with histidine.
Molecular consequence: missense variant.
Genome position (GRCh38, 1-based): chr1:27,551,113, C>G on the plus strand (G>C on the coding strand, the complement: AHDC1 is on the minus strand). VCF-style: chr1-27551113-C-G. GRCh37 (hg19) VCF-style: chr1-27877624-C-G.
Other names: c.1003G>C, p.Asp335His (NM_001029882.3); short protein forms D335H.
Identifiers: ClinVar variation 3336364 (VCV003336364.3).

ClinVar aggregate classification (germline): Uncertain significance. Review status: criteria provided, multiple submitters, no conflicts (2 of 4 stars). 2 submissions from 2 submitters: Uncertain significance (2). Last evaluated 2024-10-24.

gnomAD v4.1: 2 of 1,582,824 alleles (0.00013%); highest among the groups gnomAD compares: Middle Eastern, 0.017%; no homozygotes.

Submissions (2):

Labcorp Genetics (formerly Invitae), Labcorp
Classification: Uncertain significance. Last evaluated: 2024-10-24. Review status: criteria provided, single submitter. Criteria: Invitae Variant Classification Sherloc (09022015). Collection method: clinical testing. Allele origin: germline.
Comment: This sequence change replaces aspartic acid, which is acidic and polar, with histidine, which is basic and polar, at codon 335 of the AHDC1 protein (p.Asp335His). This variant is present in population databases (no rsID available, gnomAD no frequency). This variant has not been reported in the literature in individuals affected with AHDC1-related conditions. An algorithm developed to predict the effect of missense changes on protein structure and function (PolyPhen-2) suggests that this variant is likely to be disruptive. In summary, the available evidence is currently insufficient to determine the role of this variant in disease. Therefore, it has been classified as a Variant of Uncertain Significance.

Women's Health and Genetics/Laboratory Corporation of America, LabCorp
Classification: Uncertain significance. Last evaluated: 2024-05-28. Review status: criteria provided, single submitter. Criteria: LabCorp Variant Classification Summary - May 2015. Collection method: clinical testing. Allele origin: germline.
Comment: Variant summary: AHDC1 c.1003G>C (p.Asp335His) results in a non-conservative amino acid change in the encoded protein sequence. Three of five in-silico tools predict a damaging effect of the variant on protein function. The variant allele was found at a frequency of 5e-06 in 201332 control chromosomes (gnomAD v2.1). The available data on variant occurrences in the general population are insufficient to allow any conclusion about variant significance. To our knowledge, no occurrence of c.1003G>C in individuals affected with Xia-Gibbs Syndrome and no experimental evidence demonstrating its impact on protein function have been reported. No submitters have cited clinical-significance assessments for this variant to ClinVar. Based on the evidence outlined above, the variant was classified as uncertain significance.